The following is an entry in ClinVar:

NM_003722.5(TP63):c.694A>G (p.Lys232Glu)

Gene: TP63 (tumor protein p63; plus strand). Cytogenetic location: 3q28.
Variant type: single nucleotide variant.
Coding change: c.694A>G on transcript NM_003722.5 (MANE Select); coding-DNA position 694, A replaced by G.
Protein change: p.Lys232Glu; replaces lysine 232 with glutamic acid.
Molecular consequence: missense variant.
Genome position (GRCh38, 1-based): chr3:189,864,346, A>G. VCF-style: chr3-189864346-A-G. GRCh37 (hg19) VCF-style: chr3-189582135-A-G.
Other names: c.694A>G, p.Lys232Glu (NM_001114978.2, NM_001114979.2, NM_001329144.2 and 1 more transcripts); c.412A>G, p.Lys138Glu (NM_001114980.2, NM_001114981.2, NM_001114982.2 and 2 more transcripts); c.157A>G, p.Lys53Glu (NM_001329146.2, NM_001329150.2); c.688A>G, p.Lys230Glu (NM_001329964.2); short protein forms K232E, K53E, K138E, K230E.
Identifiers: ClinVar variation 573933 (VCV000573933.4), dbSNP rs1560274243, ClinGen allele CA355753613.

ClinVar aggregate classification (germline): Pathogenic (1 of 4 stars; one submission).

Conditions:
TP63-Related Spectrum Disorders.

Submission:

Labcorp Genetics (formerly Invitae), Labcorp
Classification: Pathogenic. Last evaluated: 2021-01-02. Review status: criteria provided, single submitter. Criteria: Invitae Variant Classification Sherloc (09022015). Collection method: clinical testing. Allele origin: germline.
Comment: This sequence change replaces lysine with glutamic acid at codon 232 of the TP63 protein (p.Lys232Glu). The lysine residue is highly conserved and there is a small physicochemical difference between lysine and glutamic acid. For these reasons, this variant has been classified as Pathogenic. This variant is not present in population databases (ExAC no frequency). Experimental studies have shown that this missense change does not affect the transactivation ability of TP63 for its target gene retSDR1 (PMID: 20543567), however the clinical significance of this finding is unknown. This variant has been reported to segregate with ectrodactyly, ectodermal dysplasia, cleft lip/palate (EEC) syndrome in several families (PMID: 22574117, 11462173) . This variant is also known as c.577A>G (p.Lys193Glu) in the literature

Literature cited by the submitters: PubMed 20543567; PubMed 22574117; PubMed 11462173.